The following is an entry in ClinVar:

NM_006393.3(NEBL):c.259-7C>G

Gene: NEBL (nebulette; minus strand). Cytogenetic location: 10p12.31.
Variant type: single nucleotide variant.
Coding change: c.259-7C>G on transcript NM_006393.3 (MANE Select); 7 bases into the intron before coding-DNA position 259, C replaced by G.
Molecular consequence: intron variant.
Genome position (GRCh38, 1-based): chr10:20,888,214, G>C on the plus strand (C>G on the coding strand, the complement: NEBL is on the minus strand). VCF-style: chr10-20888214-G-C. GRCh37 (hg19) VCF-style: chr10-21177143-G-C.
Other names: c.249+73458C>G (NM_001377326.1, NM_001377327.1, NM_001377328.1); c.357+73458C>G (NM_213569.2, NM_001173484.2, NM_001377322.1); c.300+73458C>G (NM_001377324.1); c.291+73458C>G (NM_001377325.1); c.309+73458C>G (NM_001377323.1).
Identifiers: ClinVar variation 648820 (VCV000648820.1), dbSNP rs201590910, ClinGen allele CA591872811.

ClinVar aggregate classification (germline): Uncertain significance (1 of 4 stars; one submission).

Conditions:
Primary dilated cardiomyopathy (DCM). Also called: Dilated Cardiomyopathy. Identifiers: Orphanet 217604, MedGen C0007193, MeSH D002311, MONDO:0005021, HP:0001644. Inheritance: Various modes of inheritance.

Submission:

Labcorp Genetics (formerly Invitae), Labcorp
Classification: Uncertain significance for Primary dilated cardiomyopathy. Last evaluated: 2018-11-07. Review status: criteria provided, single submitter. Criteria: Invitae Variant Classification Sherloc (09022015). Collection method: clinical testing. Allele origin: germline.
Comment: This sequence change falls in intron 3 of the NEBL gene. It does not directly change the encoded amino acid sequence of the NEBL protein. This variant is not present in population databases (ExAC no frequency). This variant has not been reported in the literature in individuals with NEBL-related disease. Algorithms developed to predict the effect of sequence changes on RNA splicing suggest that this variant may disrupt the consensus splice site, but this prediction has not been confirmed by published transcriptional studies. In summary, the available evidence is currently insufficient to determine the role of this variant in disease. Therefore, it has been classified as a Variant of Uncertain Significance.